The following is an entry in ClinVar:

ClinVar aggregate classification (germline): Likely benign. Review status: criteria provided, multiple submitters, no conflicts (2 of 4 stars). 4 submissions from 4 submitters: Likely benign (3). 1 of the submissions does not count toward it. Last evaluated 2026-08-01.

Conditions:
COL18A1-related disorder. Also called: COL18A1-related disorders; COL18A1-related condition.

Allele frequency attached by ClinVar (database versions not stated): gnomAD exomes 0.00040 and 0.00070; TOPMed 0.00041; gnomAD 0.00043 and 0.00044; ExAC 0.00059; ESP Exome Variant Server 0.00089; 1000 Genomes Project 30x 0.00094; 1000 Genomes Project 0.00100.
gnomAD v4.1: 1,087 of 1,606,496 alleles (0.068%); highest among the groups gnomAD compares: Non-Finnish European, 0.084%; 3 homozygotes.

Submissions (4):

CeGaT Center for Human Genetics Tuebingen
Classification: Likely benign. Last evaluated: 2026-08-01. Review status: criteria provided, single submitter. Criteria: CeGaT Center For Human Genetics Tuebingen Variant Classification Criteria Version 2. Collection method: clinical testing. Allele origin: germline. Affected: yes. Observed: 5 variant alleles.
Comment: COL18A1: BS2

Labcorp Genetics (formerly Invitae), Labcorp
Classification: Likely benign. Last evaluated: 2026-01-12. Review status: criteria provided, single submitter. Criteria: Invitae Variant Classification Sherloc (09022015). Collection method: clinical testing. Allele origin: germline.

Blueprint Genetics
Classification: Likely benign. Last evaluated: 2024-08-27. Review status: criteria provided, single submitter. Criteria: ACMG Guidelines, 2015. Collection method: clinical testing. Allele origin: germline.

PreventionGenetics, part of Exact Sciences
Classification: Likely benign for COL18A1-related condition. Last evaluated: 2023-09-08. Review status: no assertion criteria provided. Collection method: clinical testing. Allele origin: germline. Not counted in ClinVar's aggregate classification.
Comment: This variant is classified as likely benign based on ACMG/AMP sequence variant interpretation guidelines (Richards et al. 2015 PMID: 25741868, with internal and published modifications).

NM_001379500.1(COL18A1):c.3656G>A (p.Arg1219His)

Genes: COL18A1 (collagen type XVIII alpha 1 chain; plus strand), SLC19A1 (solute carrier family 19 member 1; minus strand). Cytogenetic location: 21q22.3.
Variant type: single nucleotide variant.
Coding change: c.3656G>A on transcript NM_001379500.1 (MANE Select); coding-DNA position 3656, G replaced by A.
Protein change: p.Arg1219His; replaces arginine 1219 with histidine.
Molecular consequence: missense variant.
Genome position (GRCh38, 1-based): chr21:45,510,224, G>A. VCF-style: chr21-45510224-G-A. GRCh37 (hg19) VCF-style: chr21-46930138-G-A.
Other names: c.4187G>A (NM_030582.3); c.4187G>A, p.Arg1396His (NM_030582.4); c.4892G>A, p.Arg1631His (NM_130444.3); short protein forms R1219H, R1396H, R1631H.
Identifiers: ClinVar variation 1593861 (VCV001593861.31), dbSNP rs200043539, ClinGen allele CA10067991.